The following is an entry in ClinVar:

NM_001395413.1(POR):c.1143G>A (p.Pro381=)

Gene: POR (cytochrome p450 oxidoreductase; plus strand). Cytogenetic location: 7q11.23.
Variant type: single nucleotide variant.
Coding change: c.1143G>A on transcript NM_001395413.1 (MANE Select); coding-DNA position 1143, G replaced by A.
Protein change: p.Pro381=; no amino-acid change (proline 381 retained).
Molecular consequence: synonymous variant.
Genome position (GRCh38, 1-based): chr7:75,984,862, G>A. VCF-style: chr7-75984862-G-A. GRCh37 (hg19) VCF-style: chr7-75614180-G-A.
Other names: c.1143G>A, p.Pro381= (NM_001367562.3, NM_001382657.2, NM_001382658.3 and 2 more transcripts); c.1197G>A, p.Pro399= (NM_001382655.3).
Identifiers: ClinVar variation 910413 (VCV000910413.9), dbSNP rs375444057, ClinGen allele CA4304003.

ClinVar aggregate classification (germline): Conflicting classifications of pathogenicity. Review status: criteria provided, conflicting classifications (1 of 4 stars). 3 submissions from 3 submitters: Uncertain significance (1); Likely benign (2). Last evaluated 2026-06-27.

Conditions:
Congenital adrenal hyperplasia due to cytochrome P450 oxidoreductase deficiency. Also called: DISORDERED STEROIDOGENESIS DUE TO POR DEFICIENCY. Identifiers: Orphanet 95699, MedGen C1860042, MONDO:0013310, OMIM 613571.
POR-related disorder. Also called: POR-related condition.

Allele frequency attached by ClinVar (database versions not stated): ExAC 0.00001; gnomAD exomes 0.00001; gnomAD 0.00002; TOPMed 0.00002; ESP Exome Variant Server 0.00008.

Submissions (3):

PreventionGenetics, part of Exact Sciences
Classification: Likely benign for POR-related condition. Last evaluated: 2026-06-27. Review status: criteria provided, single submitter. Criteria: ACMG Guidelines, 2015. Collection method: clinical testing. Allele origin: germline.
Comment: This variant is classified as likely benign based on ACMG/AMP sequence variant interpretation guidelines (Richards et al. 2015 PMID: 25741868, with internal and published modifications).

Labcorp Genetics (formerly Invitae), Labcorp
Classification: Likely benign for Congenital adrenal hyperplasia due to cytochrome P450 oxidoreductase deficiency. Last evaluated: 2023-11-09. Review status: criteria provided, single submitter. Criteria: Invitae Variant Classification Sherloc (09022015). Collection method: clinical testing. Allele origin: germline.

Illumina Laboratory Services, Illumina
Classification: Uncertain significance for Congenital adrenal hyperplasia due to cytochrome P450 oxidoreductase deficiency. Last evaluated: 2018-02-02. Review status: criteria provided, single submitter. Criteria: ICSL Variant Classification Criteria 13 December 2019. Collection method: clinical testing. Allele origin: germline.